The following is an entry in ClinVar:

NM_000381.4(MID1):c.1798dup (p.His600fs)

Genes: MID1 (midline 1; minus strand), LOC126863207 (BRD4-independent group 4 enhancer GRCh37_chrX:10416979-10418178; plus strand). Cytogenetic location: Xp22.2.
Variant type: Duplication.
Coding change: c.1798dup on transcript NM_000381.4 (MANE Select); coding-DNA position 1798, one base duplicated (C; older notation c.1798dupC).
Protein change: p.His600fs; shifts the reading frame from histidine 600.
Molecular consequence: frameshift variant.
Genome position (GRCh38, 1-based): chrX:10,449,574, G duplicated on the plus strand (C on the coding strand, the reverse complement: MID1 is on the minus strand); the first of 6 consecutive G bases (chrX:10,449,574-10,449,579); duplicating any one gives the same sequence. VCF-style (leftmost placement, unchanged base first): chrX-10449573-T-TG. GRCh37 (hg19) VCF-style: chrX-10417613-T-TG.
Other names: c.1798dupC (NM_000381.3); c.1798dup, p.His600fs (NM_001098624.2, NM_001193277.1, NM_001347733.2 and 1 more transcripts); c.1684dup, p.His562fs (NM_033289.2); short protein forms H562fs, H600fs.
Identifiers: ClinVar variation 92876 (VCV000092876.13), dbSNP rs398123342, ClinGen allele CA220692.

ClinVar aggregate classification (germline): Pathogenic. Review status: criteria provided, multiple submitters, no conflicts (2 of 4 stars). 5 submissions from 5 submitters: Pathogenic (5). Last evaluated 2026-05-04.

Conditions:
X-linked Opitz G/BBB syndrome (GBBB). Also called: Opitz-Frias syndrome; OPITZ BBBG SYNDROME, TYPE I; OPITZ SYNDROME, X-LINKED; OPITZ-G SYNDROME, TYPE I; MID1-Related Opitz G/BBB Syndrome. Identifiers: Orphanet 2745, MedGen C2936904, MONDO:0010222, OMIM 300000.

Submissions (5):

Victorian Clinical Genetics Services, Murdoch Childrens Research Institute
Classification: Pathogenic for X-linked Opitz G/BBB syndrome. Last evaluated: 2026-05-04. Review status: criteria provided, single submitter. Criteria: ACMG Guidelines, 2015. Collection method: clinical testing. Allele origin: germline. Affected: yes.
Comment: This variant is classified as Pathogenic. Evidence in support of pathogenic classification: Variant is predicted to result in a truncated protein (premature termination codon is NOT located at least 54 nucleotides upstream of the final exon-exon junction) with less than 1/3 of the protein sequence affected; Variant is absent from gnomAD (v2, v3 and v4); This variant has strong previous evidence of pathogenicity in unrelated individuals. This variant has been classified as pathogenic by clinical laboratories in ClinVar. This variant has also been reported in the literature as hemizygous in two unrelated fetuses with MID1-related features, once as de novo, and once inherited from a mildly affected heterozygous mother (PMIDs: 37745857, 32926417); Other truncating variant(s) comparable to the one identified in this case have very strong previous evidence for pathogenicity (ClinVar). Additional information: This variant is heterozygous; This gene is associated with X-linked disease; Variant truncates the annotated SPRY domain (DECIPHER). - Loss of function is a known mechanism of disease in this gene and is associated with Opitz GBBB syndrome, type I (MIM# 300000).

Labcorp Genetics (formerly Invitae), Labcorp
Classification: Pathogenic. Last evaluated: 2022-05-25. Review status: criteria provided, single submitter. Criteria: Invitae Variant Classification Sherloc (09022015). Collection method: clinical testing. Allele origin: germline.
Comment: For these reasons, this variant has been classified as Pathogenic. ClinVar contains an entry for this variant (Variation ID: 92876). This variant is also known as c.1798_1799-insC. This premature translational stop signal has been observed in individual(s) with clinical features of Opitz GBBB syndrome (PMID: 32926417; Invitae). In at least one individual the variant was observed to be de novo. This variant is not present in population databases (gnomAD no frequency). This sequence change creates a premature translational stop signal (p.His600Profs*12) in the MID1 gene. While this is not anticipated to result in nonsense mediated decay, it is expected to disrupt the last 68 amino acid(s) of the MID1 protein.

Center for Human Genetics, Inc
Classification: Pathogenic for X-linked Opitz G/BBB syndrome. Last evaluated: 2016-11-01. Review status: criteria provided, single submitter. Criteria: ACMG Guidelines, 2015. Collection method: clinical testing. Allele origin: germline. Affected: yes.

Eurofins Ntd Llc (ga)
Classification: Pathogenic. Last evaluated: 2012-11-07. Review status: criteria provided, single submitter. Criteria: EGL Classification Definitions. Collection method: clinical testing. Allele origin: germline. Observed: 3 variant alleles, 1 heterozygote, 2 hemizygotes.

Imagene.me medical diagnostic laboratory, IMAGENE.ME SA
Classification: Pathogenic for X-linked Opitz G/BBB syndrome. Review status: criteria provided, single submitter. Criteria: IMAGENE.ME Variant Classification SOP 2022. Collection method: clinical testing. Allele origin: germline. Affected: yes.
Comment: Classified according to the IMAGENE.ME variant classification SOP based on the ACMG guidelines as Pathogenic (P): PVS1_Strong + PS4_Moderate + PM2 + PP4_Moderate

Literature cited by the submitters: PubMed 32926417 (cited by Victorian Clinical Genetics Services, Murdoch Childrens Research Institute and Labcorp Genetics (formerly Invitae), Labcorp); PubMed 37745857 (cited by Victorian Clinical Genetics Services, Murdoch Childrens Research Institute); PubMed 23757202 (cited by Eurofins Ntd Llc (ga)).